The following is an entry in ClinVar:

ClinVar aggregate classification (germline): Pathogenic (1 of 4 stars; one submission).

Conditions:
Inborn genetic diseases. Identifiers: MedGen C0950123, MeSH D030342.

Submission:

Ambry Genetics
Classification: Pathogenic for Inborn genetic diseases. Last evaluated: 2023-06-09. Review status: criteria provided, single submitter. Criteria: Ambry Variant Classification Scheme 2023. Collection method: clinical testing. Allele origin: germline.
Comment: The c.6366C>A (p.C2122*) alteration, located in exon 11 (coding exon 10) of the ASH1L gene, consists of a C to A substitution at nucleotide position 6366. This changes the amino acid from a cysteine (C) to a stop codon at amino acid position 2122. This alteration is expected to result in loss of function by premature protein truncation or nonsense-mediated mRNA decay. This variant was not reported in population-based cohorts in the Genome Aggregation Database (gnomAD). Based on the available evidence, this alteration is classified as pathogenic.

NM_018489.3(ASH1L):c.6366C>A (p.Cys2122Ter)

Gene: ASH1L (ASH1 like histone lysine methyltransferase; minus strand). Cytogenetic location: 1q22.
Variant type: single nucleotide variant.
Coding change: c.6366C>A on transcript NM_018489.3 (MANE Select); coding-DNA position 6366, C replaced by A.
Protein change: p.Cys2122Ter; replaces cysteine 2122 with a stop codon.
Molecular consequence: nonsense.
Genome position (GRCh38, 1-based): chr1:155,370,950, G>T on the plus strand (C>A on the coding strand, the complement: ASH1L is on the minus strand). VCF-style: chr1-155370950-G-T. GRCh37 (hg19) VCF-style: chr1-155340741-G-T.
Other names: c.6381C>A, p.Cys2127Ter (NM_001366177.2); short protein forms C2122*, C2127*.
Identifiers: ClinVar variation 2543541 (VCV002543541.2), dbSNP rs1558039371, ClinGen allele CA342754948.